The following is an entry in ClinVar:

NM_138459.5(NUS1):c.599T>C (p.Ile200Thr)

Gene: NUS1 (NUS1 dehydrodolichyl diphosphate synthase subunit; plus strand). Cytogenetic location: 6q22.1.
Variant type: single nucleotide variant.
Coding change: c.599T>C on transcript NM_138459.5 (MANE Select); coding-DNA position 599, T replaced by C.
Protein change: p.Ile200Thr; replaces isoleucine 200 with threonine.
Molecular consequence: missense variant.
Genome position (GRCh38, 1-based): chr6:117,694,088, T>C. VCF-style: chr6-117694088-T-C. GRCh37 (hg19) VCF-style: chr6-118015251-T-C.
Other names: short protein forms I200T.
Identifiers: ClinVar variation 2189541 (VCV002189541.4), dbSNP rs755280454, ClinGen allele CA3977149.

ClinVar aggregate classification (germline): Uncertain significance (1 of 4 stars; one submission).

Conditions:
Congenital disorder of glycosylation, type Iaa. Also called: Congenital disorder of glycosylation, type 1aa. Identifiers: MedGen C4310727, MONDO:0014904, OMIM 617082.

Allele frequency attached by ClinVar (database versions not stated): ExAC 0.00001; gnomAD 0.00001; gnomAD exomes 0.00001; TOPMed 0.00002.
gnomAD v4.1: 9 of 1,612,678 alleles (0.00056%); highest among the groups gnomAD compares: African/African-American, 0.004%; no homozygotes.

Submission:

Labcorp Genetics (formerly Invitae), Labcorp
Classification: Uncertain significance for Congenital disorder of glycosylation, type Iaa. Last evaluated: 2025-08-03. Review status: criteria provided, single submitter. Criteria: Invitae Variant Classification Sherloc (09022015). Collection method: clinical testing. Allele origin: germline.
Comment: This sequence change replaces isoleucine, which is neutral and non-polar, with threonine, which is neutral and polar, at codon 200 of the NUS1 protein (p.Ile200Thr). This variant is present in population databases (rs755280454, gnomAD 0.007%). This variant has not been reported in the literature in individuals affected with NUS1-related conditions. ClinVar contains an entry for this variant (Variation ID: 2189541). An algorithm developed to predict the effect of missense changes on protein structure and function (PolyPhen-2) suggests that this variant is likely to be disruptive. In summary, the available evidence is currently insufficient to determine the role of this variant in disease. Therefore, it has been classified as a Variant of Uncertain Significance.